The following is an entry in ClinVar:

NM_182914.3(SYNE2):c.237+6A>T

Gene: SYNE2 (spectrin repeat containing nuclear envelope protein 2; plus strand). Cytogenetic location: 14q23.2.
Variant type: single nucleotide variant.
Coding change: c.237+6A>T on transcript NM_182914.3 (MANE Select); 6 bases into the intron after coding-DNA position 237, A replaced by T.
Molecular consequence: intron variant.
Genome position (GRCh38, 1-based): chr14:63,941,796, A>T. VCF-style: chr14-63941796-A-T. GRCh37 (hg19) VCF-style: chr14-64408514-A-T.
Other names: c.237+6A>T (NM_015180.6).
Identifiers: ClinVar variation 2971793 (VCV002971793.3), dbSNP rs766604570, ClinGen allele CA2142434266.

ClinVar aggregate classification (germline): Uncertain significance (1 of 4 stars; one submission).

Conditions:
Emery-Dreifuss muscular dystrophy 5, autosomal dominant (EDMD5). Also called: EMERY-DREIFUSS MUSCULAR DYSTROPHY 5. Identifiers: Orphanet 261, MedGen C2751805, MONDO:0013072, OMIM 612999.

gnomAD v4.1: 16 of 1,613,778 alleles (0.00099%); highest among the groups gnomAD compares: Non-Finnish European, 0.0013%; no homozygotes.

Submission:

Labcorp Genetics (formerly Invitae), Labcorp
Classification: Uncertain significance for Emery-Dreifuss muscular dystrophy 5, autosomal dominant. Last evaluated: 2023-06-30. Review status: criteria provided, single submitter. Criteria: Invitae Variant Classification Sherloc (09022015). Collection method: clinical testing. Allele origin: germline.
Comment: In summary, the available evidence is currently insufficient to determine the role of this variant in disease. Therefore, it has been classified as a Variant of Uncertain Significance. Variants that disrupt the consensus splice site are a relatively common cause of aberrant splicing (PMID: 17576681, 9536098). Algorithms developed to predict the effect of sequence changes on RNA splicing suggest that this variant is not likely to affect RNA splicing. This variant has not been reported in the literature in individuals affected with SYNE2-related conditions. This variant is not present in population databases (gnomAD no frequency). This sequence change falls in intron 4 of the SYNE2 gene. It does not directly change the encoded amino acid sequence of the SYNE2 protein. It affects a nucleotide within the consensus splice site.

Literature cited by the submitters: PubMed 17576681; PubMed 9536098.